The following is an entry in ClinVar:

ClinVar aggregate classification (germline): Benign (1 of 4 stars; one submission).

Conditions:
Familial adenomatous polyposis 1 (FAP1). Also called: POLYPOSIS, ADENOMATOUS INTESTINAL; FAMILIAL ADENOMATOUS POLYPOSIS 1, ATTENUATED. Identifiers: MedGen C2713442, MONDO:0021056, OMIM 175100. Disease mechanism: loss of function.

Allele frequency attached by ClinVar (database versions not stated): gnomAD exomes below 0.00001.
gnomAD v4.1: 1 of 1,614,054 alleles (0.000062%); highest among the groups gnomAD compares: Middle Eastern, 0.017%; no homozygotes.

Submission:

Myriad Genetics, Inc.
Classification: Benign for Familial adenomatous polyposis 1. Last evaluated: 2024-03-01. Review status: criteria provided, single submitter. Criteria: Myriad Autosomal Dominant, Autosomal Recessive and X-Linked Classification Criteria (2023). Collection method: clinical testing. Allele origin: unknown.
Comment: This variant is considered benign. This variant is a silent/synonymous amino acid change and it is not expected to impact splicing.

NM_000038.6(APC):c.1245T>C (p.Ala415=)

Gene: APC (APC regulator of Wnt signaling pathway; plus strand). Cytogenetic location: 5q22.2.
Variant type: single nucleotide variant.
Coding change: c.1245T>C on transcript NM_000038.6 (MANE Select); coding-DNA position 1245, T replaced by C.
Protein change: p.Ala415=; no amino-acid change (alanine 415 retained).
Molecular consequence: synonymous variant. On other transcripts: non-coding transcript variant (2).
Genome position (GRCh38, 1-based): chr5:112,819,277, T>C. VCF-style: chr5-112819277-T-C. GRCh37 (hg19) VCF-style: chr5-112154974-T-C.
Other names: c.1245T>C, p.Ala415= (NM_001127510.3, NM_001354895.2, NM_001354896.2 and 4 more transcripts); c.1191T>C, p.Ala397= (NM_001127511.3); c.1275T>C, p.Ala425= (NM_001354897.2, NM_001407446.1); c.1170T>C, p.Ala390= (NM_001354898.2, NM_001407451.1); c.1161T>C, p.Ala387= (NM_001354899.2, NM_001407452.1); c.1068T>C, p.Ala356= (NM_001354900.2, NM_001354901.2, NM_001407453.1); c.972T>C, p.Ala324= (NM_001354902.2); c.942T>C, p.Ala314= (NM_001354903.2, NM_001407454.1, NM_001407455.1 and 5 more transcripts); and 5 more.
Identifiers: ClinVar variation 3148829 (VCV003148829.1), dbSNP rs1561542004, ClinGen allele CA445960374.